The following is an entry in ClinVar:

NC_000023.10:g.(?_32862880)_(32867957_?)del

Gene: DMD (dystrophin; minus strand). Cytogenetic location: Xp21.1.
Variant type: Deletion.
Identifiers: ClinVar variation 3247995 (VCV003247995.1).

ClinVar aggregate classification (germline): Pathogenic (1 of 4 stars; one submission).

Conditions:
Duchenne muscular dystrophy (DMD). Also called: MUSCULAR DYSTROPHY, PSEUDOHYPERTROPHIC PROGRESSIVE, DUCHENNE TYPE; Duchenne Muscular Dystrophy (DMD). Identifiers: Orphanet 98896, MedGen C0013264, MONDO:0010679, OMIM 310200.

Submission:

Labcorp Genetics (formerly Invitae), Labcorp
Classification: Pathogenic for Duchenne muscular dystrophy. Last evaluated: 2023-12-12. Review status: criteria provided, single submitter. Criteria: Invitae Variant Classification Sherloc (09022015). Collection method: clinical testing. Allele origin: unknown.
Comment: This variant is a gross deletion of the genomic region encompassing exon(s) 3-4 of the DMD gene. This variant would be expected to be in-frame, preserving the integrity of the reading frame. A similar copy number variant has been observed in individuals with DMD-related dystrophinopathies (PMID: 8149204, 12324874, 15723292). For these reasons, this variant has been classified as Pathogenic.

Literature cited by the submitters: PubMed 8149204; PubMed 12324874; PubMed 15723292.